The following is an entry in ClinVar:

NM_005751.5(AKAP9):c.10840A>G (p.Met3614Val)

Genes: CYP51A1 (cytochrome P450 family 51 subfamily A member 1; minus strand), AKAP9 (A-kinase anchoring protein 9; plus strand). Cytogenetic location: 7q21.2.
Variant type: single nucleotide variant.
Coding change: c.10840A>G on transcript NM_005751.5 (MANE Select); coding-DNA position 10840, A replaced by G.
Protein change: p.Met3614Val; replaces methionine 3614 with valine.
Molecular consequence: missense variant.
Genome position (GRCh38, 1-based): chr7:92,099,813, A>G. VCF-style: chr7-92099813-A-G. GRCh37 (hg19) VCF-style: chr7-91729127-A-G.
Other names: p.M3614V:ATG>GTG; c.5485A>G, p.Met1829Val (NM_001379277.1); c.10816A>G, p.Met3606Val (NM_147185.3); short protein forms M3614V, M3606V, M1829V.
Identifiers: ClinVar variation 136345 (VCV000136345.52), dbSNP rs34327395, ClinGen allele CA163160.

ClinVar aggregate classification (germline): Benign/Likely benign. Review status: criteria provided, multiple submitters, no conflicts (2 of 4 stars). 12 submissions from 12 submitters: Benign (10); Likely benign (1). 1 of the submissions does not count toward it. Last evaluated 2026-02-01.

Conditions:
Cardiovascular phenotype. Identifiers: MedGen CN230736.
Cardiomyopathy (CMYO). Also called: Cardiomyopathies. Identifiers: Orphanet 167848, MedGen C0878544, MONDO:0004994, HP:0001638. Inheritance: Various modes of inheritance.
Long QT syndrome (LQTS). Identifiers: MedGen C0023976, MeSH D008133, MONDO:0002442. Disease mechanism: loss of function. Inheritance: Various modes of inheritance.
Long QT syndrome 11 (LQT11). Identifiers: Orphanet 101016, Orphanet 768, MedGen C2678483, MONDO:0012738, OMIM 611820.

Allele frequency attached by ClinVar (database versions not stated): 1000 Genomes Project 0.00679; gnomAD exomes 0.00703; 1000 Genomes Project 30x 0.00718; ExAC 0.00718; gnomAD 0.00899 and 0.00921; ESP Exome Variant Server 0.00923; TOPMed 0.01009.
gnomAD v4.1: 15,197 of 1,614,124 alleles (0.94%); highest among the groups gnomAD compares: Middle Eastern, 1.1%; 101 homozygotes.

Submissions (12):

CeGaT Center for Human Genetics Tuebingen
Classification: Benign. Last evaluated: 2026-02-01. Review status: criteria provided, single submitter. Criteria: CeGaT Center For Human Genetics Tuebingen Variant Classification Criteria Version 2. Collection method: clinical testing. Allele origin: germline. Affected: yes. Observed: 7 variant alleles.
Comment: AKAP9: BP4, BS1, BS2; CYP51A1: BS1, BS2

Labcorp Genetics (formerly Invitae), Labcorp
Classification: Benign for Long QT syndrome. Last evaluated: 2026-01-28. Review status: criteria provided, single submitter. Criteria: Invitae Variant Classification Sherloc (09022015). Collection method: clinical testing. Allele origin: germline.

Genome-Nilou Lab
Classification: Benign for Long QT syndrome 11. Last evaluated: 2021-12-05. Review status: criteria provided, single submitter. Criteria: ACMG Guidelines, 2015. Collection method: clinical testing. Allele origin: germline. Affected: no.

Women's Health and Genetics/Laboratory Corporation of America, LabCorp
Classification: Benign. Last evaluated: 2019-10-08. Review status: criteria provided, single submitter. Criteria: LabCorp Variant Classification Summary - May 2015. Collection method: clinical testing. Allele origin: germline.
Comment: Variant summary: AKAP9 c.10840A>G (p.Met3614Val) results in a conservative amino acid change in the encoded protein sequence. Five of five in-silico tools predict a benign effect of the variant on protein function. The variant allele was found at a frequency of 0.007 in 251372 control chromosomes in the gnomAD database, including 12 homozygotes. The observed variant frequency is approximately 703 fold of the estimated maximal expected allele frequency for a pathogenic variant in AKAP9 causing Arrhythmia phenotype (1e-05), strongly suggesting that the variant is benign. Three clinical diagnostic laboratories have submitted clinical-significance assessments for this variant to ClinVar after 2014 without evidence for independent evaluation. All laboratories classified the variant as benign/likely benign. Based on the evidence outlined above, the variant was classified as benign.

Center for Advanced Laboratory Medicine, UC San Diego Health, University of California San Diego
Classification: Benign for Cardiomyopathy. Last evaluated: 2019-06-04. Review status: criteria provided, single submitter. Criteria: ACMG Guidelines, 2015. Collection method: clinical testing. Allele origin: germline. Affected: yes. Observed: 2 variant alleles.

Ambry Genetics
Classification: Benign for Cardiovascular phenotype. Last evaluated: 2015-08-10. Review status: criteria provided, single submitter. Criteria: Ambry Variant Classification Scheme 2023. Collection method: clinical testing. Allele origin: germline.

Genome Diagnostics Laboratory, University Medical Center Utrecht
Classification: Benign for Long QT syndrome 11. Last evaluated: 2014-10-09. Review status: criteria provided, single submitter. Criteria: ACGS Guidelines, 2013. Collection method: clinical testing. Allele origin: germline. Affected: yes. Study: VKGL Data-share Consensus.

Biesecker Lab/Clinical Genomics Section, National Institutes of Health
Classification: Benign. Last evaluated: 2013-06-24. Review status: criteria provided, single submitter. Criteria: Ng et al. (Circ Cardiovasc Genet. 2013). Collection method: research. Allele origin: unknown. Observed: 18 variant alleles. Study: ClinSeq.
Comment: The study set was not selected for affection status in relation to any cancer. Pathogenicity categories were based on literature curation. See Pubmed ID:23861362 for details.

Medical sequencing

GeneDx
Classification: Benign. Last evaluated: 2011-07-11. Review status: criteria provided, single submitter. Criteria: GeneDx Variant Classification (06012015). Collection method: clinical testing. Allele origin: germline. Affected: yes.
Comment: This variant is considered likely benign or benign based on one or more of the following criteria: it is a conservative change, it occurs at a poorly conserved position in the protein, it is predicted to be benign by multiple in silico algorithms, and/or has population frequency not consistent with disease.

Breakthrough Genomics
Classification: Likely benign. Review status: criteria provided, single submitter. Criteria: ACMG Guidelines, 2015. Collection method: not provided. Allele origin: germline. Inheritance: Autosomal dominant inheritance. Affected: yes.

PreventionGenetics, part of Exact Sciences
Classification: Benign. Review status: criteria provided, single submitter. Criteria: ACMG Guidelines, 2015. Collection method: clinical testing. Allele origin: germline.

Clinical Genetics, Academic Medical Center
Classification: Benign. Review status: no assertion criteria provided. Collection method: clinical testing. Allele origin: germline. Affected: yes. Study: VKGL Data-share Consensus. Not counted in ClinVar's aggregate classification.